The following is an entry in ClinVar:

NM_001999.4(FBN2):c.2693G>T (p.Cys898Phe)

Gene: FBN2 (fibrillin 2; minus strand). Cytogenetic location: 5q23.3.
Variant type: single nucleotide variant.
Coding change: c.2693G>T on transcript NM_001999.4 (MANE Select); coding-DNA position 2693, G replaced by T.
Protein change: p.Cys898Phe; replaces cysteine 898 with phenylalanine.
Molecular consequence: missense variant.
Genome position (GRCh38, 1-based): chr5:128,350,987, C>A on the plus strand (G>T on the coding strand, the complement: FBN2 is on the minus strand). VCF-style: chr5-128350987-C-A. GRCh37 (hg19) VCF-style: chr5-127686679-C-A.
Other names: short protein forms C898F.
Identifiers: ClinVar variation 4529916 (VCV004529916.1).

ClinVar aggregate classification (germline): Uncertain significance (1 of 4 stars; one submission).

Submission:

GeneDx
Classification: Uncertain significance. Last evaluated: 2025-05-12. Review status: criteria provided, single submitter. Criteria: GeneDx Variant Classification Process June 2021. Collection method: clinical testing. Allele origin: germline. Affected: yes.
Comment: Not observed at significant frequency in large population cohorts (gnomAD); In silico analysis supports that this missense variant has a deleterious effect on protein structure/function; Has not been previously published as pathogenic or benign to our knowledge